The following is an entry in ClinVar:

ClinVar aggregate classification (germline): Pathogenic (1 of 4 stars; one submission).

Conditions:
Gaucher disease. Also called: Acute cerebral Gaucher disease; Cerebroside lipidosis syndrome; Gaucher splenomegaly; Sphingolipidosis 1; Glucocerebrosidosis; Glucosylceramidase deficiency. Identifiers: Orphanet 355, MedGen C0017205, MONDO:0018150.

gnomAD v4.1: 2 of 1,614,140 alleles (0.00012%); highest among the groups gnomAD compares: Non-Finnish European, 0.00017%; no homozygotes.

Submission:

Natera, Inc.
Classification: Pathogenic for Gaucher disease. Last evaluated: 2025-01-02. Review status: criteria provided, single submitter. Criteria: Natera Variant Classification Schema (03/2026). Collection method: clinical testing. Allele origin: germline.
Comment: The c.371T>C variant in GBA1 is a missense variant predicted to cause substitution of methionine to threonine at amino acid 124. This variant is rare in the general population with a frequency below the threshold expected for the associated phenotype(s). This variant has been observed in one or more individuals affected with the associated recessive disease, as either homozygous or compound heterozygous with a second variant (PMID: 37685353, 27682613, 33609962, 35242582). Additionally, this variant has been observed to segregate in affected family members (PMID: 35242582). Given the available evidence, this variant is classified as Pathogenic.

Literature cited by the submitters: PubMed 37685353; PubMed 27682613; PubMed 33609962; PubMed 35242582.

NM_000157.4(GBA1):c.371T>C (p.Met124Thr)

Genes: GBA1 (glucosylceramidase beta 1; minus strand), LOC106627981 (GBA recombination region; plus strand). Cytogenetic location: 1q22.
Variant type: single nucleotide variant.
Coding change: c.371T>C on transcript NM_000157.4 (MANE Select); coding-DNA position 371, T replaced by C.
Protein change: p.Met124Thr; replaces methionine 124 with threonine.
Molecular consequence: missense variant. On other transcripts: intron variant (1).
Genome position (GRCh38, 1-based): chr1:155,239,699, A>G on the plus strand (T>C on the coding strand, the complement: GBA1 is on the minus strand). VCF-style: chr1-155239699-A-G. GRCh37 (hg19) VCF-style: chr1-155209490-A-G.
Other names: c.371T>C, p.Met124Thr (NM_001005741.3, NM_001005742.3); c.110T>C, p.Met37Thr (NM_001171811.2); c.307+187T>C (NM_001171812.2); short protein forms M124T, M37T.
Identifiers: ClinVar variation 4817756 (VCV004817756.1).